The following is an entry in ClinVar:

ClinVar aggregate classification (germline): Uncertain significance (1 of 4 stars; one submission).

Conditions:
Rhabdoid tumor predisposition syndrome 2 (RTPS2). Identifiers: Orphanet 231108, Orphanet 69077, MedGen C2750074, MONDO:0013224, OMIM 613325.

Submission:

Labcorp Genetics (formerly Invitae), Labcorp
Classification: Uncertain significance for Rhabdoid tumor predisposition syndrome 2. Last evaluated: 2023-10-16. Review status: criteria provided, single submitter. Criteria: Invitae Variant Classification Sherloc (09022015). Collection method: clinical testing. Allele origin: germline.
Comment: This sequence change replaces alanine, which is neutral and non-polar, with threonine, which is neutral and polar, at codon 157 of the SMARCA4 protein (p.Ala157Thr). This variant is not present in population databases (gnomAD no frequency). This variant has not been reported in the literature in individuals affected with SMARCA4-related conditions. Advanced modeling of protein sequence and biophysical properties (such as structural, functional, and spatial information, amino acid conservation, physicochemical variation, residue mobility, and thermodynamic stability) performed at Invitae indicates that this missense variant is not expected to disrupt SMARCA4 protein function. In summary, the available evidence is currently insufficient to determine the role of this variant in disease. Therefore, it has been classified as a Variant of Uncertain Significance.

NM_003072.5(SMARCA4):c.469G>A (p.Ala157Thr)

Gene: SMARCA4 (SWI/SNF related BAF chromatin remodeling complex subunit ATPase 4; plus strand). Cytogenetic location: 19p13.2.
Variant type: single nucleotide variant.
Coding change: c.469G>A on transcript NM_003072.5 (MANE Select); coding-DNA position 469, G replaced by A.
Protein change: p.Ala157Thr; replaces alanine 157 with threonine.
Molecular consequence: missense variant. On other transcripts: non-coding transcript variant (1).
Genome position (GRCh38, 1-based): chr19:10,986,302, G>A. VCF-style: chr19-10986302-G-A. GRCh37 (hg19) VCF-style: chr19-11096978-G-A.
Other names: c.469G>A, p.Ala157Thr (NM_001128844.3, NM_001128845.2, NM_001128846.2 and 6 more transcripts); short protein forms A157T.
Identifiers: ClinVar variation 2769009 (VCV002769009.3), dbSNP rs2145774973, ClinGen allele CA404056054.